The following is an entry in ClinVar:

ClinVar aggregate classification (germline): Pathogenic (1 of 4 stars; one submission).

Conditions:
Retinitis pigmentosa 12 (RP12). Also called: RP WITH OR WITHOUT PRESERVED PARAARTERIOLE RETINAL PIGMENT EPITHELIUM; RETINITIS PIGMENTOSA WITH OR WITHOUT PARAARTERIOLAR PRESERVATION OF RETINAL PIGMENT EPITHELIUM; RP WITH OR WITHOUT PPRPE. Identifiers: Orphanet 791, MedGen C1838647, MONDO:0010818, OMIM 600105.
Leber congenital amaurosis 8 (LCA8). Identifiers: Orphanet 65, MedGen C3151202, MONDO:0013453, OMIM 613835.

Submission:

Labcorp Genetics (formerly Invitae), Labcorp
Classification: Pathogenic for Leber congenital amaurosis 8; Retinitis pigmentosa 12. Last evaluated: 2021-10-25. Review status: criteria provided, single submitter. Criteria: Invitae Variant Classification Sherloc (09022015). Collection method: clinical testing. Allele origin: germline.
Comment: For these reasons, this variant has been classified as Pathogenic. This variant has not been reported in the literature in individuals affected with CRB1-related conditions. This variant is not present in population databases (gnomAD no frequency). This sequence change creates a premature translational stop signal (p.Gln1121*) in the CRB1 gene. It is expected to result in an absent or disrupted protein product. Loss-of-function variants in CRB1 are known to be pathogenic (PMID: 10508521, 22065545, 23379534, 25412400, 26957898, 28041643, 29391521).

Literature cited by the submitters: PubMed 10508521; PubMed 22065545; PubMed 23379534; PubMed 25412400; PubMed 26957898; PubMed 28041643; PubMed 29391521.

NM_201253.3(CRB1):c.3361C>T (p.Gln1121Ter)

Gene: CRB1 (crumbs cell polarity complex component 1; plus strand). Cytogenetic location: 1q31.3.
Variant type: single nucleotide variant.
Coding change: c.3361C>T on transcript NM_201253.3 (MANE Select); coding-DNA position 3361, C replaced by T.
Protein change: p.Gln1121Ter; replaces glutamine 1121 with a stop codon.
Molecular consequence: nonsense. On other transcripts: non-coding transcript variant (2), intron variant (1).
Genome position (GRCh38, 1-based): chr1:197,435,224, C>T. VCF-style: chr1-197435224-C-T. GRCh37 (hg19) VCF-style: chr1-197404354-C-T.
Other names: c.3025C>T, p.Gln1009Ter (NM_001193640.2); c.3289C>T, p.Gln1097Ter (NM_001257965.2); c.2129-376C>T (NM_001257966.2); short protein forms Q1097*, Q1009*, Q1121*.
Identifiers: ClinVar variation 1418917 (VCV001418917.6), dbSNP rs2125500230, ClinGen allele CA344047324.